The following is an entry in ClinVar:

NM_001849.4(COL6A2):c.2065G>T (p.Glu689Ter)

Gene: COL6A2 (collagen type VI alpha 2 chain; plus strand). Cytogenetic location: 21q22.3.
Variant type: single nucleotide variant.
Coding change: c.2065G>T on transcript NM_001849.4 (MANE Select); coding-DNA position 2065, G replaced by T.
Protein change: p.Glu689Ter; replaces glutamic acid 689 with a stop codon.
Molecular consequence: nonsense.
Genome position (GRCh38, 1-based): chr21:46,125,880, G>T. VCF-style: chr21-46125880-G-T. GRCh37 (hg19) VCF-style: chr21-47545794-G-T.
Other names: c.2065G>T, p.Glu689Ter (NM_058174.3, NM_058175.3); short protein forms E689*.
Identifiers: ClinVar variation 3896822 (VCV003896822.1).

ClinVar aggregate classification (germline): Likely pathogenic (1 of 4 stars; one submission).

Conditions:
Myosclerosis. Also called: MYOPATHY, MYOSCLEROTIC; MYOSCLEROSIS, CONGENITAL, OF LOWENTHAL; Myosclerosis, congenital. Identifiers: Orphanet 289380, MedGen C1850671, MONDO:0009714, OMIM 255600.
Bethlem myopathy 1B (BTHLM1B). Identifiers: MedGen C5935580, MONDO:0958233, OMIM 620725.
Ullrich congenital muscular dystrophy 1B (UCMD1B). Identifiers: MedGen C5935582, MONDO:0958235, OMIM 620727.

Submission:

Kariminejad - Najmabadi Pathology & Genetics Center
Classification: Likely pathogenic for Myosclerosis; Bethlem myopathy 1B; Ullrich congenital muscular dystrophy 1B. Last evaluated: 2022-03-28. Review status: criteria provided, single submitter. Criteria: ACMG Guidelines, 2015. Collection method: clinical testing. Allele origin: germline. Inheritance: Autosomal recessive inheritance. Affected: yes.
Comment: PVS1, PM2